The following is an entry in ClinVar:

NM_022455.5(NSD1):c.56C>T (p.Pro19Leu)

Gene: NSD1 (nuclear receptor binding SET domain protein 1; plus strand). Cytogenetic location: 5q35.3.
Variant type: single nucleotide variant.
Coding change: c.56C>T on transcript NM_022455.5 (MANE Select); coding-DNA position 56, C replaced by T.
Protein change: p.Pro19Leu; replaces proline 19 with leucine.
Molecular consequence: missense variant.
Genome position (GRCh38, 1-based): chr5:177,135,159, C>T. VCF-style: chr5-177135159-C-T. GRCh37 (hg19) VCF-style: chr5-176562160-C-T.
Other names: c.-78C>T (NM_172349.5, NM_001365684.2, NM_001409305.1 and 4 more transcripts); c.56C>T, p.Pro19Leu (NM_001409301.1, NM_001409302.1, NM_001409303.1 and 1 more transcripts); short protein forms P19L.
Identifiers: ClinVar variation 1028264 (VCV001028264.2), dbSNP rs1756207246, ClinGen allele CA362290260.

ClinVar aggregate classification (germline): Uncertain significance (1 of 4 stars; one submission).

Conditions:
Sotos syndrome (SOTOS). Also called: Sotos' syndrome; CHROMOSOME 5q35 DELETION SYNDROME; SOTOS SYNDROME 1; Distinctive facial appearance, overgrowth in childhood, and learning disabilities or delayed development; CEREBRAL GIGANTISM. Identifiers: Orphanet 821, MedGen C0175695, MONDO:0019349, OMIM 117550.

Submission:

Baylor Genetics
Classification: Uncertain significance for Sotos syndrome. Last evaluated: 2019-06-21. Review status: criteria provided, single submitter. Criteria: ACMG Guidelines, 2015. Collection method: clinical testing. Allele origin: unknown. Affected: yes.
Comment: This variant was determined to be of uncertain significance according to ACMG Guidelines, 2015 [PMID:25741868].